The following is an entry in ClinVar:

NM_006206.6(PDGFRA):c.1533C>G (p.Asn511Lys)

Gene: PDGFRA (platelet derived growth factor receptor alpha; plus strand). Cytogenetic location: 4q12.
Variant type: single nucleotide variant.
Coding change: c.1533C>G on transcript NM_006206.6 (MANE Select); coding-DNA position 1533, C replaced by G.
Protein change: p.Asn511Lys; replaces asparagine 511 with lysine.
Molecular consequence: missense variant.
Genome position (GRCh38, 1-based): chr4:54,273,705, C>G. VCF-style: chr4-54273705-C-G. GRCh37 (hg19) VCF-style: chr4-55139872-C-G.
Other names: c.1533C>G, p.Asn511Lys (NM_001347827.2, NM_001347829.2); c.1608C>G, p.Asn536Lys (NM_001347828.2); c.1572C>G, p.Asn524Lys (NM_001347830.2); short protein forms N511K, N524K, N536K.
Identifiers: ClinVar variation 459007 (VCV000459007.12), dbSNP rs1553904229, ClinGen allele CA356892762.

ClinVar aggregate classification (germline): Uncertain significance. Review status: criteria provided, multiple submitters, no conflicts (2 of 4 stars). 2 submissions from 2 submitters: Uncertain significance (2). Last evaluated 2025-12-23.

Conditions:
Gastrointestinal stromal tumor. Also called: Gastrointestinal stroma tumor; Gastrointestinal stromal tumor, somatic. Identifiers: Orphanet 44890, MedGen C0238198, MeSH D046152, MONDO:0011719, OMIM 606764, HP:0100723.
Hereditary cancer-predisposing syndrome. Also called: Tumor predisposition; Hereditary neoplastic syndrome; Neoplastic Syndromes, Hereditary; Hereditary Cancer Syndrome. Identifiers: Orphanet 140162, MedGen C0027672, MeSH D009386, MONDO:0015356.

Submissions (2):

Labcorp Genetics (formerly Invitae), Labcorp
Classification: Uncertain significance for Gastrointestinal stromal tumor. Last evaluated: 2025-12-23. Review status: criteria provided, single submitter. Criteria: Invitae Variant Classification Sherloc (09022015). Collection method: clinical testing. Allele origin: germline.
Comment: This sequence change replaces asparagine, which is neutral and polar, with lysine, which is basic and polar, at codon 511 of the PDGFRA protein (p.Asn511Lys). This variant is not present in population databases (gnomAD no frequency). This variant has not been reported in the literature in individuals affected with PDGFRA-related conditions. ClinVar contains an entry for this variant (Variation ID: 459007). Invitae Evidence Modeling of protein sequence and biophysical properties (such as structural, functional, and spatial information, amino acid conservation, physicochemical variation, residue mobility, and thermodynamic stability) indicates that this missense variant is not expected to disrupt PDGFRA protein function with a negative predictive value of 80%. In summary, the available evidence is currently insufficient to determine the role of this variant in disease. Therefore, it has been classified as a Variant of Uncertain Significance.

Ambry Genetics
Classification: Uncertain significance for Hereditary cancer-predisposing syndrome. Last evaluated: 2025-03-31. Review status: criteria provided, single submitter. Criteria: Ambry Variant Classification Scheme 2023. Collection method: clinical testing. Allele origin: germline.
Comment: The p.N511K variant (also known as c.1533C>G), located in coding exon 9 of the PDGFRA gene, results from a C to G substitution at nucleotide position 1533. The asparagine at codon 511 is replaced by lysine, an amino acid with similar properties. This amino acid position is conserved. In addition, this alteration is predicted to be tolerated by in silico analysis. Since supporting evidence is limited at this time, the clinical significance of this alteration remains unclear.